The following is an entry in ClinVar:

NM_006009.4(TUBA1A):c.424G>T (p.Gly142Cys)

Gene: TUBA1A (tubulin alpha 1a; minus strand). Cytogenetic location: 12q13.12.
Variant type: single nucleotide variant.
Coding change: c.424G>T on transcript NM_006009.4 (MANE Select); coding-DNA position 424, G replaced by T.
Protein change: p.Gly142Cys; replaces glycine 142 with cysteine.
Molecular consequence: missense variant.
Genome position (GRCh38, 1-based): chr12:49,185,942, C>A on the plus strand (G>T on the coding strand, the complement: TUBA1A is on the minus strand). VCF-style: chr12-49185942-C-A. GRCh37 (hg19) VCF-style: chr12-49579725-C-A.
Other names: c.424G>T, p.Gly142Cys (NM_001270399.2); c.319G>T, p.Gly107Cys (NM_001270400.2); short protein forms G142C, G107C.
Identifiers: ClinVar variation 431839 (VCV000431839.3), dbSNP rs1555162407, ClinGen allele CA384642692.

ClinVar aggregate classification (germline): Likely pathogenic. Review status: criteria provided, multiple submitters, no conflicts (2 of 4 stars). 2 submissions from 2 submitters: Likely pathogenic (2). Last evaluated 2018-07-01.

Conditions:
Tubulinopathy. Also called: Tubulinopathies. Identifiers: MedGen CN850169, MONDO:0100153.

Submissions (2):

Institute of Human Genetics, FAU Erlangen, Friedrich-Alexander-Universität Erlangen-Nürnberg
Classification: Likely pathogenic for Tubulinopathies. Last evaluated: 2018-07-01. Review status: criteria provided, single submitter. Criteria: ACMG Guidelines, 2015. Collection method: literature only. Allele origin: germline. Affected: yes. Observed: 1 variant allele.
Comment: The c.424G>T, p.(Gly142Cys) variant has been reported as a variant of germline/unknown origin.

GeneDx
Classification: Likely pathogenic. Last evaluated: 2017-04-10. Review status: criteria provided, single submitter. Criteria: GeneDx Variant Classification (06012015). Collection method: clinical testing. Allele origin: germline. Affected: yes.
Comment: A variant that is likely pathogenic has been identified in the TUBA1A gene. The G142C variant has not been published as a pathogenic variant, nor has it been reported as a benign variant to our knowledge. The G142C variant is not observed in large population cohorts (Lek et al., 2016; 1000 Genomes Consortium et al., 2015; Exome Variant Server). The G142C variant is a non-conservative amino acid substitution, which is likely to impact secondary protein structure as these residues differ in polarity, charge, size and/or other properties. This substitution alters a highly conserved position in the predicted GTP binding domain of the TUBA1A protein. A missense variant in a nearby residue (V137D) has been reported in association with lissencephaly with cerebellar hypoplasia; however, the clinical significance of the V137D change is unknown as parental studies were not performed (Kumar et al, 2010). In silico analysis predicts the G142C variant is probably damaging to the protein structure/function. Additionally, targeted parental testing indicates this variant is apparently de novo. Therefore, this variant is likely pathogenic; however, the possibility that it is benign cannot be excluded.

Literature cited by the submitters: PubMed 30744660 (cited by Institute of Human Genetics, FAU Erlangen, Friedrich-Alexander-Universität Erlangen-Nürnberg); DOI 10.1101/427948 (cited by Institute of Human Genetics, FAU Erlangen, Friedrich-Alexander-Universität Erlangen-Nürnberg).